The following is an entry in ClinVar:

NM_020884.7(MYH7B):c.842C>T (p.Pro281Leu)

Gene: MYH7B (myosin heavy chain 7B; plus strand). Cytogenetic location: 20q11.22.
Variant type: single nucleotide variant.
Coding change: c.842C>T on transcript NM_020884.7 (MANE Select); coding-DNA position 842, C replaced by T.
Protein change: p.Pro281Leu; replaces proline 281 with leucine.
Molecular consequence: missense variant.
Genome position (GRCh38, 1-based): chr20:34,986,136, C>T. VCF-style: chr20-34986136-C-T. GRCh37 (hg19) VCF-style: chr20-33573939-C-T.
Other names: c.968C>T (NM_020884.3, NM_020884.4); short protein forms P281L.
Identifiers: ClinVar variation 1427692 (VCV001427692.9), dbSNP rs200585184, ClinGen allele CA9826680.
Genomic context (GRCh38, chr20:34,986,136, plus strand): 5'-CAGGCCAGCGTCCCTTCTCCCCAGATCTCCTGGAGAAGTCGCGGGTGATCTTCCAGTTGC[C>T]TGGTGAGCGCAGCTACCATGTCTACTACCAGATCCTCTCAGGGAGGAAGCCAGAGCTGCA-3'
Protein context (NP_065935.4, residues 271-291): LEKSRVIFQL[Pro281Leu]GERSYHVYYQ

ClinVar aggregate classification (germline): Uncertain significance. Review status: criteria provided, multiple submitters, no conflicts (2 of 4 stars). 3 submissions from 3 submitters: Uncertain significance (3). Last evaluated 2026-04-16.

Conditions:
MYH7B-related disorder. Also called: MYH7B-related condition.

Allele frequency attached by ClinVar (database versions not stated): TOPMed 0.00014; gnomAD 0.00023; gnomAD exomes 0.00025; ESP Exome Variant Server 0.00032; ExAC 0.00041.
gnomAD v4.1: 469 of 1,596,608 alleles (0.029%); highest among the groups gnomAD compares: Non-Finnish European, 0.038%; no homozygotes.

Submissions (3):

PreventionGenetics, part of Exact Sciences
Classification: Uncertain significance for MYH7B-related condition. Last evaluated: 2026-04-16. Review status: criteria provided, single submitter. Criteria: ACMG Guidelines, 2015. Collection method: clinical testing. Allele origin: germline.
Comment: The MYH7B c.968C>T variant is predicted to result in the amino acid substitution p.Pro323Leu. To our knowledge, this variant has not been reported in the literature. This variant is reported in 0.048% of alleles in individuals of European (Non-Finnish) descent in gnomAD. At this time, the clinical significance of this variant is uncertain due to the absence of conclusive functional and genetic evidence.

Labcorp Genetics (formerly Invitae), Labcorp
Classification: Uncertain significance. Last evaluated: 2025-12-17. Review status: criteria provided, single submitter. Criteria: Invitae Variant Classification Sherloc (09022015). Collection method: clinical testing. Allele origin: germline.
Comment: This sequence change replaces proline, which is neutral and non-polar, with leucine, which is neutral and non-polar, at codon 323 of the MYH7B protein (p.Pro323Leu). This variant is present in population databases (rs200585184, gnomAD 0.05%), and has an allele count higher than expected for a pathogenic variant. This variant has not been reported in the literature in individuals affected with MYH7B-related conditions. ClinVar contains an entry for this variant (Variation ID: 1427692). Invitae Evidence Modeling of protein sequence and biophysical properties (such as structural, functional, and spatial information, amino acid conservation, physicochemical variation, residue mobility, and thermodynamic stability) indicates that this missense variant is not expected to disrupt MYH7B protein function with a negative predictive value of 80%. In summary, the available evidence is currently insufficient to determine the role of this variant in disease. Therefore, it has been classified as a Variant of Uncertain Significance.

Ambry Genetics
Classification: Uncertain significance. Last evaluated: 2025-04-25. Review status: criteria provided, single submitter. Criteria: Ambry Variant Classification Scheme 2023. Collection method: clinical testing. Allele origin: germline.